The following is an entry in ClinVar:

ClinVar aggregate classification (germline): Pathogenic (1 of 4 stars; one submission).

Conditions:
Alstrom syndrome (ALMS). Identifiers: Orphanet 64, MedGen C0268425, MONDO:0008763, OMIM 203800.

Submission:

Labcorp Genetics (formerly Invitae), Labcorp
Classification: Pathogenic for Alstrom syndrome. Last evaluated: 2022-11-19. Review status: criteria provided, single submitter. Criteria: Invitae Variant Classification Sherloc (09022015). Collection method: clinical testing. Allele origin: germline.
Comment: For these reasons, this variant has been classified as Pathogenic. This variant has not been reported in the literature in individuals affected with ALMS1-related conditions. This variant is not present in population databases (gnomAD no frequency). This sequence change creates a premature translational stop signal (p.Gln4008Argfs*23) in the ALMS1 gene. It is expected to result in an absent or disrupted protein product. Loss-of-function variants in ALMS1 are known to be pathogenic (PMID: 17594715).

Literature cited by the submitters: PubMed 17594715.

NM_001378454.1(ALMS1):c.12020del (p.Gln4007fs)

Genes: ALMS1 (ALMS1 centrosome and basal body associated protein; plus strand), LOC126806252 (BRD4-independent group 4 enhancer GRCh37_chr2:73828496-73829695; plus strand). Cytogenetic location: 2p13.1.
Variant type: Deletion.
Coding change: c.12020del on transcript NM_001378454.1 (MANE Select); coding-DNA position 12020, one base deleted (A; older notation c.12020delA).
Protein change: p.Gln4007fs; shifts the reading frame from glutamine 4007.
Molecular consequence: frameshift variant.
Genome position (GRCh38, 1-based): chr2:73,601,342, A deleted. VCF-style (leftmost placement, unchanged base first): chr2-73601341-CA-C. GRCh37 (hg19) VCF-style: chr2-73828468-CA-C.
Other names: c.12023del, p.Gln4008fs (NM_015120.4); short protein forms Q4007fs, Q4008fs.
Identifiers: ClinVar variation 2990245 (VCV002990245.3), dbSNP rs2466522732, ClinGen allele CA2740095645.